The following is an entry in ClinVar:

NM_004408.4(DNM1):c.967G>T (p.Ala323Ser)

Gene: DNM1 (dynamin 1; plus strand). Cytogenetic location: 9q34.11.
Variant type: single nucleotide variant.
Coding change: c.967G>T on transcript NM_004408.4 (MANE Select); coding-DNA position 967, G replaced by T.
Protein change: p.Ala323Ser; replaces alanine 323 with serine.
Molecular consequence: missense variant.
Genome position (GRCh38, 1-based): chr9:128,222,314, G>T. VCF-style: chr9-128222314-G-T. GRCh37 (hg19) VCF-style: chr9-130984593-G-T.
Other names: c.967G>T, p.Ala323Ser (NM_001005336.3, NM_001288737.2, NM_001288738.2 and 2 more transcripts); short protein forms A323S.
Identifiers: ClinVar variation 2777557 (VCV002777557.3), dbSNP rs2538996492, ClinGen allele CA375015551.

ClinVar aggregate classification (germline): Uncertain significance (1 of 4 stars; one submission).

Conditions:
Developmental and epileptic encephalopathy, 31A. Also called: Epileptic encephalopathy, early infantile, 31; Developmental and epileptic encephalopathy, 31. Identifiers: Orphanet 2382, MedGen C4225357, MONDO:0014598, OMIM 616346.

Submission:

Labcorp Genetics (formerly Invitae), Labcorp
Classification: Uncertain significance for Developmental and epileptic encephalopathy, 31A. Last evaluated: 2024-01-03. Review status: criteria provided, single submitter. Criteria: Invitae Variant Classification Sherloc (09022015). Collection method: clinical testing. Allele origin: germline.
Comment: This sequence change replaces alanine, which is neutral and non-polar, with serine, which is neutral and polar, at codon 323 of the DNM1 protein (p.Ala323Ser). This variant is not present in population databases (gnomAD no frequency). This variant has not been reported in the literature in individuals affected with DNM1-related conditions. Advanced modeling of protein sequence and biophysical properties (such as structural, functional, and spatial information, amino acid conservation, physicochemical variation, residue mobility, and thermodynamic stability) performed at Invitae indicates that this missense variant is not expected to disrupt DNM1 protein function with a negative predictive value of 80%. In summary, the available evidence is currently insufficient to determine the role of this variant in disease. Therefore, it has been classified as a Variant of Uncertain Significance.